The following is an entry in ClinVar:

ClinVar aggregate classification (germline): Uncertain significance (1 of 4 stars; one submission).

Conditions:
Early-infantile DEE. Also called: Early infantile epileptic encephalopathy; Ohtahara syndrome; Early infantile epileptic encephalopathy with suppression bursts. Identifiers: Orphanet 1934, MedGen C0393706, MONDO:0800491.

Allele frequency attached by ClinVar (database versions not stated): gnomAD exomes 0.00003 and 0.00001; TOPMed below 0.00001; ExAC 0.00002.
gnomAD v4.1: 8 of 1,614,142 alleles (0.0005%); highest among the groups gnomAD compares: East Asian, 0.018%; no homozygotes.

Submission:

Labcorp Genetics (formerly Invitae), Labcorp
Classification: Uncertain significance for Early-infantile DEE. Last evaluated: 2023-10-05. Review status: criteria provided, single submitter. Criteria: Invitae Variant Classification Sherloc (09022015). Collection method: clinical testing. Allele origin: germline.
Comment: This sequence change replaces aspartic acid, which is acidic and polar, with tyrosine, which is neutral and polar, at codon 1421 of the SPTAN1 protein (p.Asp1421Tyr). This variant is present in population databases (rs749333383, gnomAD 0.04%). This variant has not been reported in the literature in individuals affected with SPTAN1-related conditions. ClinVar contains an entry for this variant (Variation ID: 207335). Advanced modeling of protein sequence and biophysical properties (such as structural, functional, and spatial information, amino acid conservation, physicochemical variation, residue mobility, and thermodynamic stability) has been performed at Invitae for this missense variant, however the output from this modeling did not meet the statistical confidence thresholds required to predict the impact of this variant on SPTAN1 protein function. In summary, the available evidence is currently insufficient to determine the role of this variant in disease. Therefore, it has been classified as a Variant of Uncertain Significance.

NM_001130438.3(SPTAN1):c.4261G>T (p.Asp1421Tyr)

Gene: SPTAN1 (spectrin alpha, non-erythrocytic 1; plus strand). Cytogenetic location: 9q34.11.
Variant type: single nucleotide variant.
Coding change: c.4261G>T on transcript NM_001130438.3 (MANE Select); coding-DNA position 4261, G replaced by T.
Protein change: p.Asp1421Tyr; replaces aspartic acid 1421 with tyrosine.
Molecular consequence: missense variant.
Genome position (GRCh38, 1-based): chr9:128,607,966, G>T. VCF-style: chr9-128607966-G-T. GRCh37 (hg19) VCF-style: chr9-131370245-G-T.
Other names: c.4201G>T, p.Asp1401Tyr (NM_001195532.2, NM_001363765.2); c.4261G>T, p.Asp1421Tyr (NM_001363759.2, NM_003127.4); short protein forms D1421Y, D1401Y.
Identifiers: ClinVar variation 207335 (VCV000207335.10), dbSNP rs749333383, ClinGen allele CA318701.
Genomic context (GRCh38, chr9:128,607,966, plus strand): 5'-TTTGGACAGCAGCTGTTGGCTCACGGACACTATGCCAGCCCTGAGATCAAGCAGAAACTT[G>T]ATATTCTTGACCAGGAGCGTGCAGACCTGGAGAAGGCCTGGGTTCAGCGCAGGATGATGC-3'
Protein context (NP_001123910.1, residues 1411-1431): YASPEIKQKL[Asp1421Tyr]ILDQERADLE